The following is an entry in ClinVar:

ClinVar aggregate classification (germline): Uncertain significance (1 of 4 stars; one submission).

Conditions:
Episodic ataxia type 1 (EA1). Also called: ATAXIA, EPISODIC, WITH MYOKYMIA; Episodic ataxia/myokymia syndrome; MYOKYMIA WITH PERIODIC ATAXIA; PAROXYSMAL ATAXIA WITH NEUROMYOTONIA, HEREDITARY. Identifiers: Orphanet 37612, Orphanet 972, MedGen C1719788, MONDO:0008047, OMIM 160120.

Submission:

Labcorp Genetics (formerly Invitae), Labcorp
Classification: Uncertain significance for Episodic ataxia type 1. Last evaluated: 2019-12-23. Review status: criteria provided, single submitter. Criteria: Invitae Variant Classification Sherloc (09022015). Collection method: clinical testing. Allele origin: germline.
Comment: This variant results in a copy number gain of the genomic region encompassing the full coding sequence of the KCNA1 gene. The boundaries of this event are unknown as they extend beyond the assayed region for this gene and therefore may encompass additional genes. As the precise location of this event is unknown, it may be in tandem or it may be located elsewhere in the genome. This variant has not been reported in the literature in individuals with KCNA1-related conditions. Experimental studies are not available for this variant, and the functional significance of a copy number gain of this gene is currently unknown. In summary, the available evidence is currently insufficient to determine the role of this variant in disease. Therefore, it has been classified as a Variant of Uncertain Significance.

NC_000012.12:g.(?_4911359)_(4912886_?)dup

Gene: KCNA1 (potassium voltage-gated channel subfamily A member 1; plus strand). Cytogenetic location: 12p13.32.
Variant type: Duplication.
Identifiers: ClinVar variation 831572 (VCV000831572.1).